The following is an entry in ClinVar:

15q15.3 deletion

Gene: STRC (stereocilin; minus strand). Cytogenetic location: 15q15.3.
Variant type: Deletion.
Other names: 15q15.3deletion.
Identifiers: ClinVar variation 813830 (VCV000813830.2).

ClinVar aggregate classification (germline): Pathogenic (0 of 4 stars; one submission).

Conditions:
Autosomal recessive nonsyndromic hearing loss 16. Also called: DFNB16 Nonsyndromic Hearing Loss and Deafness; DEAFNESS, AUTOSOMAL RECESSIVE 16. Identifiers: Orphanet 90636, MedGen C1863561, MONDO:0011364, OMIM 603720.

Submission:

Laboratory of Prof. Karen Avraham, Tel Aviv University
Classification: Pathogenic for Autosomal recessive nonsyndromic hearing loss 16. Last evaluated: 2019-11-24. Review status: no assertion criteria provided. Collection method: research. Allele origin: germline. Affected: yes.
Comment: Recessive, congenital, moderate NSHL

15q15.3 deletion includes g.15:43,892,353-43,910,998 including 27/29 coding exons of STRC NM_153700.2

Literature cited by the submitters: DOI 10.1111/cge.13817; PubMed 31552524.